The following is an entry in ClinVar:

ClinVar aggregate classification (germline): Likely benign. Review status: criteria provided, multiple submitters, no conflicts (2 of 4 stars). 3 submissions from 3 submitters: Likely benign (3). Last evaluated 2024-11-19.

Conditions:
Marinesco-Sjögren syndrome (MSS). Also called: Marinesco-Sjogren Syndrome; Marinesco-SjÃ¶gren syndrome. Identifiers: Orphanet 559, MedGen C0024814, MONDO:0009567, OMIM 248800.

Allele frequency attached by ClinVar (database versions not stated): gnomAD exomes 0.00002 and 0.00003; ExAC 0.00003; gnomAD 0.00005; ESP Exome Variant Server 0.00008; TOPMed 0.00008.
gnomAD v4.1: 40 of 1,613,616 alleles (0.0025%); highest among the groups gnomAD compares: Middle Eastern, 0.082%; no homozygotes.

Submissions (3):

Labcorp Genetics (formerly Invitae), Labcorp
Classification: Likely benign for Marinesco-Sjögren syndrome. Last evaluated: 2024-11-19. Review status: criteria provided, single submitter. Criteria: Invitae Variant Classification Sherloc (09022015). Collection method: clinical testing. Allele origin: germline.

CeGaT Center for Human Genetics Tuebingen
Classification: Likely benign. Last evaluated: 2024-10-01. Review status: criteria provided, single submitter. Criteria: CeGaT Center For Human Genetics Tuebingen Variant Classification Criteria Version 2. Collection method: clinical testing. Allele origin: germline. Affected: yes. Observed: 2 variant alleles.
Comment: SIL1: BP4, BP7

Athena Diagnostics
Classification: Likely benign. Last evaluated: 2021-01-05. Review status: criteria provided, single submitter. Criteria: Athena Diagnostics criteria. Collection method: clinical testing. Allele origin: unknown.

NM_022464.5(SIL1):c.1125A>G (p.Glu375=)

Gene: SIL1 (SIL1 nucleotide exchange factor; minus strand). Cytogenetic location: 5q31.2.
Variant type: single nucleotide variant.
Coding change: c.1125A>G on transcript NM_022464.5 (MANE Select); coding-DNA position 1125, A replaced by G.
Protein change: p.Glu375=; no amino-acid change (glutamic acid 375 retained).
Molecular consequence: synonymous variant.
Genome position (GRCh38, 1-based): chr5:138,947,378, T>C on the plus strand (A>G on the coding strand, the complement: SIL1 is on the minus strand). VCF-style: chr5-138947378-T-C. GRCh37 (hg19) VCF-style: chr5-138283067-T-C.
Other names: c.1125A>G, p.Glu375= (NM_001037633.2).
Identifiers: ClinVar variation 1256308 (VCV001256308.29), dbSNP rs149424114, ClinGen allele CA3432366.